The following is an entry in ClinVar:

NM_007103.4(NDUFV1):c.143G>A (p.Arg48His)

Gene: NDUFV1 (NADH:ubiquinone oxidoreductase core subunit V1; plus strand). Cytogenetic location: 11q13.2.
Variant type: single nucleotide variant.
Coding change: c.143G>A on transcript NM_007103.4 (MANE Select); coding-DNA position 143, G replaced by A.
Protein change: p.Arg48His; replaces arginine 48 with histidine.
Molecular consequence: missense variant.
Genome position (GRCh38, 1-based): chr11:67,608,466, G>A. VCF-style: chr11-67608466-G-A. GRCh37 (hg19) VCF-style: chr11-67375937-G-A.
Other names: c.116G>A, p.Arg39His (NM_001166102.2); short protein forms R39H, R48H.
Identifiers: ClinVar variation 2662815 (VCV002662815.1), dbSNP rs772599600, ClinGen allele CA224178844.

ClinVar aggregate classification (germline): Uncertain significance (1 of 4 stars; one submission).

Allele frequency attached by ClinVar (database versions not stated): gnomAD 0.00002; TOPMed 0.00004.
gnomAD v4.1: 8 of 1,614,010 alleles (0.0005%); highest among the groups gnomAD compares: African/African-American, 0.0067%; no homozygotes.

Submission:

GeneDx
Classification: Uncertain significance. Last evaluated: 2023-10-10. Review status: criteria provided, single submitter. Criteria: GeneDx Variant Classification Process June 2021. Collection method: clinical testing. Allele origin: germline. Affected: yes.
Comment: Has not been previously published as pathogenic or benign to our knowledge; In silico analysis supports that this missense variant has a deleterious effect on protein structure/function